The following is an entry in ClinVar:

ClinVar aggregate classification (germline): Uncertain significance (1 of 4 stars; one submission).

Conditions:
Peroxisome biogenesis disorder, complementation group 7 (CG7). Also called: Peroxisome biogenesis disorder, complementation group B. Identifiers: MedGen C1864399.

Submission:

Labcorp Genetics (formerly Invitae), Labcorp
Classification: Uncertain significance for Peroxisome biogenesis disorder, complementation group 7. Last evaluated: 2021-12-29. Review status: criteria provided, single submitter. Criteria: Invitae Variant Classification Sherloc (09022015). Collection method: clinical testing. Allele origin: germline.
Comment: This sequence change replaces serine, which is neutral and polar, with asparagine, which is neutral and polar, at codon 213 of the PEX10 protein (p.Ser213Asn). This variant is not present in population databases (gnomAD no frequency). This variant has not been reported in the literature in individuals affected with PEX10-related conditions. Algorithms developed to predict the effect of missense changes on protein structure and function (SIFT, PolyPhen-2, Align-GVGD) all suggest that this variant is likely to be tolerated. In summary, the available evidence is currently insufficient to determine the role of this variant in disease. Therefore, it has been classified as a Variant of Uncertain Significance.

NM_002617.4(PEX10):c.601-23G>A

Gene: PEX10 (peroxisomal biogenesis factor 10; minus strand). Cytogenetic location: 1p36.32.
Variant type: single nucleotide variant.
Coding change: c.601-23G>A on transcript NM_002617.4 (MANE Select); 23 bases into the intron before coding-DNA position 601, G replaced by A.
Molecular consequence: intron variant. On other transcripts: missense variant (3).
Genome position (GRCh38, 1-based): chr1:2,406,918, C>T on the plus strand (G>A on the coding strand, the complement: PEX10 is on the minus strand). VCF-style: chr1-2406918-C-T. GRCh37 (hg19) VCF-style: chr1-2338357-C-T.
Other names: c.635G>A, p.Ser212Asn (NM_001374425.1); c.203G>A, p.Ser68Asn (NM_001374426.1); c.638G>A, p.Ser213Asn (NM_153818.2); c.169-23G>A (NM_001374427.1); short protein forms S213N, S212N, S68N.
Identifiers: ClinVar variation 1423305 (VCV001423305.3), dbSNP rs1643028725, ClinGen allele CA337985880.
Genomic context (GRCh38, chr1:2,406,918, plus strand): 5'-GCCCTCAGGTCCTCTCCGGGCAGGCTGCGGACACGGAGCTGTAAGGCAGATGGCGCCACA[C>T]TCATCAGGACCCTGAGGGGATCTGGCCTCAGCGCCTGCTGGGAGGGTCACACGTTCAGTT-3'